The following is an entry in ClinVar:

ClinVar aggregate classification (germline): Uncertain significance. Review status: criteria provided, multiple submitters, no conflicts (2 of 4 stars). 2 submissions from 2 submitters: Uncertain significance (2). Last evaluated 2024-02-05.

Conditions:
Hereditary cancer-predisposing syndrome. Also called: Hereditary Cancer Syndrome; Hereditary neoplastic syndrome; Neoplastic Syndromes, Hereditary; Tumor predisposition. Identifiers: Orphanet 140162, MedGen C0027672, MeSH D009386, MONDO:0015356.
Hereditary nonpolyposis colorectal neoplasms. Identifiers: MedGen C0009405, MeSH D003123.

Submissions (2):

Labcorp Genetics (formerly Invitae), Labcorp
Classification: Uncertain significance for Hereditary nonpolyposis colorectal neoplasms. Last evaluated: 2024-02-05. Review status: criteria provided, single submitter. Criteria: Invitae Variant Classification Sherloc (09022015). Collection method: clinical testing. Allele origin: germline.
Comment: This sequence change replaces glycine, which is neutral and non-polar, with aspartic acid, which is acidic and polar, at codon 452 of the PMS2 protein (p.Gly452Asp). This variant is not present in population databases (gnomAD no frequency). This missense change has been observed in individual(s) with breast and/or ovarian cancer (PMID: 34284872). ClinVar contains an entry for this variant (Variation ID: 1770689). Advanced modeling of protein sequence and biophysical properties (such as structural, functional, and spatial information, amino acid conservation, physicochemical variation, residue mobility, and thermodynamic stability) performed at Invitae indicates that this missense variant is not expected to disrupt PMS2 protein function with a negative predictive value of 80%. In summary, the available evidence is currently insufficient to determine the role of this variant in disease. Therefore, it has been classified as a Variant of Uncertain Significance.

Ambry Genetics
Classification: Uncertain significance for Hereditary cancer-predisposing syndrome. Last evaluated: 2022-04-03. Review status: criteria provided, single submitter. Criteria: Ambry Variant Classification Scheme 2023. Collection method: clinical testing. Allele origin: germline.
Comment: The p.G452D variant (also known as c.1355G>A), located in coding exon 11 of the PMS2 gene, results from a G to A substitution at nucleotide position 1355. The glycine at codon 452 is replaced by aspartic acid, an amino acid with similar properties. This amino acid position is conserved. In addition, this alteration is predicted to be tolerated by in silico analysis. Since supporting evidence is limited at this time, the clinical significance of this alteration remains unclear.

Literature cited by the submitters: PubMed 34284872 (cited by Labcorp Genetics (formerly Invitae), Labcorp).

NM_000535.7(PMS2):c.1355G>A (p.Gly452Asp)

Gene: PMS2 (PMS1 homolog 2, mismatch repair system component; minus strand). Cytogenetic location: 7p22.1.
Variant type: single nucleotide variant.
Coding change: c.1355G>A on transcript NM_000535.7 (MANE Select); coding-DNA position 1355, G replaced by A.
Protein change: p.Gly452Asp; replaces glycine 452 with aspartic acid.
Molecular consequence: missense variant. On other transcripts: non-coding transcript variant (1).
Genome position (GRCh38, 1-based): chr7:5,987,410, C>T on the plus strand (G>A on the coding strand, the complement: PMS2 is on the minus strand). VCF-style: chr7-5987410-C-T. GRCh37 (hg19) VCF-style: chr7-6027041-C-T.
Other names: c.950G>A, p.Gly317Asp (NM_001018040.1, NM_001322003.2, NM_001322004.2 and 17 more transcripts); c.1199G>A, p.Gly400Asp (NM_001322006.2, NM_001406870.1); c.1037G>A, p.Gly346Asp (NM_001322007.2, NM_001322008.2, NM_001406876.1 and 2 more transcripts); c.794G>A, p.Gly265Asp (NM_001322010.2, NM_001406906.1, NM_001406907.1); c.422G>A, p.Gly141Asp (NM_001322011.2, NM_001322012.2); c.782G>A, p.Gly261Asp (NM_001322013.2, NM_001406909.1); c.1355G>A, p.Gly452Asp (NM_001322014.2, NM_001406871.1, NM_001406872.1); c.1046G>A, p.Gly349Asp (NM_001322015.2, NM_001406875.1, NM_001406877.1 and 5 more transcripts); and 12 more; short protein forms G265D, G344D, G386D, G400D, G416D, G195D, G261D, G297D.
Identifiers: ClinVar variation 1770689 (VCV001770689.4), dbSNP rs1490598044, ClinGen allele CA366742271.